The following is an entry in ClinVar:

ClinVar aggregate classification (germline): Pathogenic (1 of 4 stars; one submission).

Allele frequency attached by ClinVar (database versions not stated): gnomAD 0.00001.

Submission:

Labcorp Genetics (formerly Invitae), Labcorp
Classification: Pathogenic. Last evaluated: 2025-03-31. Review status: criteria provided, single submitter. Criteria: Invitae Variant Classification Sherloc (09022015). Collection method: clinical testing. Allele origin: germline.
Comment: This sequence change creates a premature translational stop signal (p.Glu1618*) in the TUBGCP6 gene. It is expected to result in an absent or disrupted protein product. Loss-of-function variants in TUBGCP6 are known to be pathogenic (PMID: 25344692). This variant is not present in population databases (gnomAD no frequency). This variant has not been reported in the literature in individuals affected with TUBGCP6-related conditions. ClinVar contains an entry for this variant (Variation ID: 2971043). Algorithms developed to predict the effect of sequence changes on RNA splicing suggest that this variant may disrupt the consensus splice site. For these reasons, this variant has been classified as Pathogenic.

Literature cited by the submitters: PubMed 25344692.

NM_020461.4(TUBGCP6):c.4852G>T (p.Glu1618Ter)

Gene: TUBGCP6 (tubulin gamma complex component 6; minus strand). Cytogenetic location: 22q13.33.
Variant type: single nucleotide variant.
Coding change: c.4852G>T on transcript NM_020461.4 (MANE Select); coding-DNA position 4852, G replaced by T.
Protein change: p.Glu1618Ter; replaces glutamic acid 1618 with a stop codon.
Molecular consequence: nonsense.
Genome position (GRCh38, 1-based): chr22:50,218,590, C>A on the plus strand (G>T on the coding strand, the complement: TUBGCP6 is on the minus strand). VCF-style: chr22-50218590-C-A. GRCh37 (hg19) VCF-style: chr22-50657019-C-A.
Other names: short protein forms E1618*.
Identifiers: ClinVar variation 2971043 (VCV002971043.3), dbSNP rs756859244, ClinGen allele CA412167499.